The following is an entry in ClinVar:

ClinVar aggregate classification (germline): Uncertain significance (1 of 4 stars; one submission).

Allele frequency attached by ClinVar (database versions not stated): gnomAD 0.00001; gnomAD exomes 0.00001; TOPMed 0.00001; ExAC 0.00002.
gnomAD v4.1: 19 of 1,614,094 alleles (0.0012%); highest among the groups gnomAD compares: Non-Finnish European, 0.0016%; no homozygotes.

Submission:

Labcorp Genetics (formerly Invitae), Labcorp
Classification: Uncertain significance. Last evaluated: 2022-03-27. Review status: criteria provided, single submitter. Criteria: Invitae Variant Classification Sherloc (09022015). Collection method: clinical testing. Allele origin: germline.
Comment: This sequence change replaces arginine, which is basic and polar, with glycine, which is neutral and non-polar, at codon 2478 of the LRP2 protein (p.Arg2478Gly). This variant is present in population databases (rs769455040, gnomAD 0.002%). This variant has not been reported in the literature in individuals affected with LRP2-related conditions. Advanced modeling of protein sequence and biophysical properties (such as structural, functional, and spatial information, amino acid conservation, physicochemical variation, residue mobility, and thermodynamic stability) performed at Invitae indicates that this missense variant is not expected to disrupt LRP2 protein function. In summary, the available evidence is currently insufficient to determine the role of this variant in disease. Therefore, it has been classified as a Variant of Uncertain Significance.

NM_004525.3(LRP2):c.7432A>G (p.Arg2478Gly)

Gene: LRP2 (LDL receptor related protein 2; minus strand). Cytogenetic location: 2q31.1.
Variant type: single nucleotide variant.
Coding change: c.7432A>G on transcript NM_004525.3 (MANE Select); coding-DNA position 7432, A replaced by G.
Protein change: p.Arg2478Gly; replaces arginine 2478 with glycine.
Molecular consequence: missense variant.
Genome position (GRCh38, 1-based): chr2:169,206,147, T>C on the plus strand (A>G on the coding strand, the complement: LRP2 is on the minus strand). VCF-style: chr2-169206147-T-C. GRCh37 (hg19) VCF-style: chr2-170062657-T-C.
Other names: short protein forms R2478G.
Identifiers: ClinVar variation 2094351 (VCV002094351.1), dbSNP rs769455040, ClinGen allele CA1954095.
Genomic context (GRCh38, chr2:169,206,147, plus strand): 5'-ACCCATCTTCAGCCATGGAATTAATCATCTGGTTGAGGTAGTCACTGTAATAAATTCTTC[T>C]AGTAATCCAGTCAAAGGCAATGCCATCAGCAGTCCCTATACCTGGACACATACAGGCAGA-3'
Protein context (NP_004516.2, residues 2468-2488): ADGIAFDWIT[Arg2478Gly]RIYYSDYLNQ